The following is an entry in ClinVar:

NM_001369369.1(FOXN1):c.392A>G (p.His131Arg)

Gene: FOXN1 (forkhead box N1; plus strand). Cytogenetic location: 17q11.2.
Variant type: single nucleotide variant.
Coding change: c.392A>G on transcript NM_001369369.1 (MANE Select); coding-DNA position 392, A replaced by G.
Protein change: p.His131Arg; replaces histidine 131 with arginine.
Molecular consequence: missense variant.
Genome position (GRCh38, 1-based): chr17:28,524,771, A>G. VCF-style: chr17-28524771-A-G. GRCh37 (hg19) VCF-style: chr17-26851789-A-G.
Other names: c.392A>G, p.His131Arg (NM_003593.3); short protein forms H131R.
Identifiers: ClinVar variation 3618792 (VCV003618792.3).
Genomic context (GRCh38, chr17:28,524,771, plus strand): 5'-GCCCTGGGCGATTCCTCAAGGGCAGCCACGCGCCCTTCCACCCGTACAAGCGGCCTTTCC[A>G]TGAGGACGTCTTCCCAGAGGCCGAGACCACCCTGGCCCTCAAAGGACACTCCTTTAAGAC-3'
Protein context (NP_001356298.1, residues 121-141): APFHPYKRPF[His131Arg]EDVFPEAETT

ClinVar aggregate classification (germline): Uncertain significance. Review status: criteria provided, multiple submitters, no conflicts (2 of 4 stars). 2 submissions from 2 submitters: Uncertain significance (2). Last evaluated 2025-07-10.

Conditions:
T-cell immunodeficiency, congenital alopecia, and nail dystrophy. Also called: Congenital alopecia and nail dystrophy associated with severe functional T-cell immunodeficiency; Pignata Guarino syndrome. Identifiers: Orphanet 169095, MedGen C1866426, MONDO:0011132, OMIM 601705.

gnomAD v4.1: 8 of 1,613,482 alleles (0.0005%); highest among the groups gnomAD compares: Middle Eastern, 0.016%; no homozygotes.

Submissions (2):

GeneDx
Classification: Uncertain significance. Last evaluated: 2025-07-10. Review status: criteria provided, single submitter. Criteria: GeneDx Variant Classification Process June 2021. Collection method: clinical testing. Allele origin: germline. Affected: yes.
Comment: Not observed at significant frequency in large population cohorts (gnomAD); In silico analysis suggests that this missense variant does not alter protein structure/function; Has not been previously published as pathogenic or benign to our knowledge

Labcorp Genetics (formerly Invitae), Labcorp
Classification: Uncertain significance for T-cell immunodeficiency, congenital alopecia, and nail dystrophy. Last evaluated: 2025-04-17. Review status: criteria provided, single submitter. Criteria: Invitae Variant Classification Sherloc (09022015). Collection method: clinical testing. Allele origin: germline.
Comment: This sequence change replaces histidine, which is basic and polar, with arginine, which is basic and polar, at codon 131 of the FOXN1 protein (p.His131Arg). This variant is present in population databases (rs140801727, gnomAD 0.0009%). This variant has not been reported in the literature in individuals affected with FOXN1-related conditions. ClinVar contains an entry for this variant (Variation ID: 3618792). Invitae Evidence Modeling of protein sequence and biophysical properties (such as structural, functional, and spatial information, amino acid conservation, physicochemical variation, residue mobility, and thermodynamic stability) indicates that this missense variant is not expected to disrupt FOXN1 protein function with a negative predictive value of 80%. In summary, the available evidence is currently insufficient to determine the role of this variant in disease. Therefore, it has been classified as a Variant of Uncertain Significance.